The following is an entry in ClinVar:

ClinVar aggregate classification (germline): Uncertain significance (1 of 4 stars; one submission).

Conditions:
Short-rib thoracic dysplasia 13 with or without polydactyly (SRTD13). Identifiers: Orphanet 474, MedGen C4225378, MONDO:0014577, OMIM 616300.

Allele frequency attached by ClinVar (database versions not stated): gnomAD 0.00001.
gnomAD v4.1: 3 of 1,523,654 alleles (0.0002%); highest among the groups gnomAD compares: Non-Finnish European, 0.00026%; no homozygotes.

Submission:

Labcorp Genetics (formerly Invitae), Labcorp
Classification: Uncertain significance for Short-rib thoracic dysplasia 13 with or without polydactyly. Last evaluated: 2022-07-19. Review status: criteria provided, single submitter. Criteria: Invitae Variant Classification Sherloc (09022015). Collection method: clinical testing. Allele origin: germline.
Comment: This sequence change replaces isoleucine, which is neutral and non-polar, with leucine, which is neutral and non-polar, at codon 489 of the CEP120 protein (p.Ile489Leu). In summary, the available evidence is currently insufficient to determine the role of this variant in disease. Therefore, it has been classified as a Variant of Uncertain Significance. Algorithms developed to predict the effect of missense changes on protein structure and function are either unavailable or do not agree on the potential impact of this missense change (SIFT: "Deleterious"; PolyPhen-2: "Possibly Damaging"; Align-GVGD: "Class C0"). This variant has not been reported in the literature in individuals affected with CEP120-related conditions. This variant is not present in population databases (gnomAD no frequency).

NM_001375405.1(CEP120):c.1465A>C (p.Ile489Leu)

Gene: CEP120 (centrosomal protein 120; minus strand). Cytogenetic location: 5q23.2.
Variant type: single nucleotide variant.
Coding change: c.1465A>C on transcript NM_001375405.1 (MANE Select); coding-DNA position 1465, A replaced by C.
Protein change: p.Ile489Leu; replaces isoleucine 489 with leucine.
Molecular consequence: missense variant. On other transcripts: non-coding transcript variant (1).
Genome position (GRCh38, 1-based): chr5:123,386,633, T>G on the plus strand (A>C on the coding strand, the complement: CEP120 is on the minus strand). VCF-style: chr5-123386633-T-G. GRCh37 (hg19) VCF-style: chr5-122722327-T-G.
Other names: c.1387A>C, p.Ile463Leu (NM_001166226.2); c.1330A>C, p.Ile444Leu (NM_001375406.1); c.1465A>C, p.Ile489Leu (NM_001375407.1, NM_153223.4); c.892A>C, p.Ile298Leu (NM_001375408.1, NM_001375409.1); short protein forms I489L, I463L, I444L, I298L.
Identifiers: ClinVar variation 2016340 (VCV002016340.4), dbSNP rs754462811, ClinGen allele CA360904155.